The following is an entry in ClinVar:

ClinVar aggregate classification (germline): Uncertain significance (1 of 4 stars; one submission).

Allele frequency attached by ClinVar (database versions not stated): TOPMed 0.00001; gnomAD 0.00002; gnomAD exomes 0.00002 and 0.00004; ExAC 0.00004.
gnomAD v4.1: 62 of 1,601,030 alleles (0.0039%); highest among the groups gnomAD compares: Non-Finnish European, 0.005%; no homozygotes.

Submission:

Labcorp Genetics (formerly Invitae), Labcorp
Classification: Uncertain significance. Last evaluated: 2022-08-01. Review status: criteria provided, single submitter. Criteria: Invitae Variant Classification Sherloc (09022015). Collection method: clinical testing. Allele origin: germline.
Comment: In summary, the available evidence is currently insufficient to determine the role of this variant in disease. Therefore, it has been classified as a Variant of Uncertain Significance. Algorithms developed to predict the effect of missense changes on protein structure and function are either unavailable or do not agree on the potential impact of this missense change (SIFT: "Deleterious"; PolyPhen-2: "Probably Damaging"; Align-GVGD: "Class C15"). ClinVar contains an entry for this variant (Variation ID: 1044211). This variant has not been reported in the literature in individuals affected with KIAA1549-related conditions. This variant is present in population databases (rs757490511, gnomAD 0.003%). This sequence change replaces aspartic acid, which is acidic and polar, with asparagine, which is neutral and polar, at codon 1573 of the KIAA1549 protein (p.Asp1573Asn).

NM_001164665.2(KIAA1549):c.4717G>A (p.Asp1573Asn)

Gene: KIAA1549 (KIAA1549; minus strand). Cytogenetic location: 7q34.
Variant type: single nucleotide variant.
Coding change: c.4717G>A on transcript NM_001164665.2 (MANE Select); coding-DNA position 4717, G replaced by A.
Protein change: p.Asp1573Asn; replaces aspartic acid 1573 with asparagine.
Molecular consequence: missense variant.
Genome position (GRCh38, 1-based): chr7:138,869,596, C>T on the plus strand (G>A on the coding strand, the complement: KIAA1549 is on the minus strand). VCF-style: chr7-138869596-C-T. GRCh37 (hg19) VCF-style: chr7-138554342-C-T.
Other names: c.4717G>A, p.Asp1573Asn (NM_020910.3); short protein forms D1573N.
Identifiers: ClinVar variation 1044211 (VCV001044211.4), dbSNP rs757490511, ClinGen allele CA4505787.